The following is an entry in ClinVar:

ClinVar aggregate classification (germline): Uncertain significance (1 of 4 stars; one submission).

Conditions:
Alstrom syndrome (ALMS). Identifiers: Orphanet 64, MedGen C0268425, MONDO:0008763, OMIM 203800.

Allele frequency attached by ClinVar (database versions not stated): gnomAD exomes below 0.00001; gnomAD 0.00003.
gnomAD v4.1: 6 of 1,614,108 alleles (0.00037%); highest among the groups gnomAD compares: Admixed American, 0.0083%; 2 homozygotes.

Submission:

Labcorp Genetics (formerly Invitae), Labcorp
Classification: Uncertain significance for Alstrom syndrome. Last evaluated: 2021-09-04. Review status: criteria provided, single submitter. Criteria: Invitae Variant Classification Sherloc (09022015). Collection method: clinical testing. Allele origin: germline.
Comment: This sequence change replaces leucine with isoleucine at codon 3637 of the ALMS1 protein (p.Leu3637Ile). The leucine residue is highly conserved and there is a small physicochemical difference between leucine and isoleucine. This variant is not present in population databases (ExAC no frequency). This variant has not been reported in the literature in individuals affected with ALMS1-related conditions. Experimental studies and prediction algorithms are not available or were not evaluated, and the functional significance of this variant is currently unknown. In summary, the available evidence is currently insufficient to determine the role of this variant in disease. Therefore, it has been classified as a Variant of Uncertain Significance.

NM_001378454.1(ALMS1):c.10906C>A (p.Leu3636Ile)

Gene: ALMS1 (ALMS1 centrosome and basal body associated protein; plus strand). Cytogenetic location: 2p13.1.
Variant type: single nucleotide variant.
Coding change: c.10906C>A on transcript NM_001378454.1 (MANE Select); coding-DNA position 10906, C replaced by A.
Protein change: p.Leu3636Ile; replaces leucine 3636 with isoleucine.
Molecular consequence: missense variant.
Genome position (GRCh38, 1-based): chr2:73,572,783, C>A. VCF-style: chr2-73572783-C-A. GRCh37 (hg19) VCF-style: chr2-73799910-C-A.
Other names: c.10909C>A, p.Leu3637Ile (NM_015120.4); short protein forms L3636I, L3637I.
Identifiers: ClinVar variation 1442574 (VCV001442574.3), dbSNP rs1573030520, ClinGen allele CA347286102.